The following is an entry in ClinVar:

ClinVar aggregate classification (germline): Uncertain significance. Review status: criteria provided, multiple submitters, no conflicts (2 of 4 stars). 2 submissions from 2 submitters: Uncertain significance (2). Last evaluated 2026-06-04.

Conditions:
WASHC5-related disorder. Also called: WASHC5-related condition.
Hereditary spastic paraplegia 8 (SPG8). Also called: SPASTIC PARAPLEGIA 8, AUTOSOMAL DOMINANT. Identifiers: Orphanet 100989, MedGen C1863704, MONDO:0011339, OMIM 603563.
Ritscher-Schinzel syndrome. Also called: CRANIOCEREBELLOCARDIAC DYSPLASIA. Identifiers: Orphanet 7, MedGen C0796137, MONDO:0019078.

Allele frequency attached by ClinVar (database versions not stated): gnomAD 0.00002 and 0.00003; ExAC 0.00004; ESP Exome Variant Server 0.00008; 1000 Genomes Project 30x 0.00016; TOPMed 0.00002; 1000 Genomes Project 0.00020.
gnomAD v4.1: 56 of 1,611,128 alleles (0.0035%); highest among the groups gnomAD compares: Non-Finnish European, 0.0043%; no homozygotes.

Submissions (2):

PreventionGenetics, part of Exact Sciences
Classification: Uncertain significance for WASHC5-related condition. Last evaluated: 2026-06-04. Review status: criteria provided, single submitter. Criteria: ACMG Guidelines, 2015. Collection method: clinical testing. Allele origin: germline.
Comment: The WASHC5 c.161T>C variant is predicted to result in the amino acid substitution p.Ile54Thr. To our knowledge, this variant has not been reported in the literature. This variant is reported in 0.0053% of alleles in individuals of European (Non-Finnish) descent in gnomAD. At this time, the clinical significance of this variant is uncertain due to the absence of conclusive functional and genetic evidence.

Labcorp Genetics (formerly Invitae), Labcorp
Classification: Uncertain significance for Ritscher-Schinzel syndrome; Hereditary spastic paraplegia 8. Last evaluated: 2015-01-17. Review status: criteria provided, single submitter. Criteria: Invitae Variant Classification Sherloc (09022015). Collection method: clinical testing. Allele origin: germline.
Comment: This sequence change replaces isoleucine with threonine at codon 54 of the KIAA0196 protein (p.Ile54Thr). The isoleucine residue is moderately conserved and there is a moderate physicochemical difference between isoleucine and threonine. Algorithms developed to predict the effect of missense changes on protein structure and function do not agree on the potential impact of this missense change (SIFT: "Deleterious"; PolyPhen-2: "possibly damaging"; Align-GVGD: "Class C0"). In summary, this is a rare missense change with uncertain impact on protein function. It has been classified as a Variant of Uncertain Significance. This variant has not been published in the literature and is present in population databases (rs199936194, 0.05%).

NM_014846.4(WASHC5):c.161T>C (p.Ile54Thr)

Gene: WASHC5 (WASH complex subunit 5; minus strand). Cytogenetic location: 8q24.13.
Variant type: single nucleotide variant.
Coding change: c.161T>C on transcript NM_014846.4 (MANE Select); coding-DNA position 161, T replaced by C.
Protein change: p.Ile54Thr; replaces isoleucine 54 with threonine.
Molecular consequence: missense variant. On other transcripts: intron variant (1).
Genome position (GRCh38, 1-based): chr8:125,083,738, A>G on the plus strand (T>C on the coding strand, the complement: WASHC5 is on the minus strand). VCF-style: chr8-125083738-A-G. GRCh37 (hg19) VCF-style: chr8-126095980-A-G.
Other names: c.-258-480T>C (NM_001330609.2); short protein forms I54T.
Identifiers: ClinVar variation 216682 (VCV000216682.11), dbSNP rs199936194, ClinGen allele CA338719.